The following is an entry in ClinVar:

ClinVar aggregate classification (germline): Uncertain significance (0 of 4 stars; one submission).

Conditions:
PLXNA3-related disorder. Also called: PLXNA3-related condition.

gnomAD v4.1: 1 of 1,208,239 alleles (0.000083%); highest among the groups gnomAD compares: Non-Finnish European, 0.00011%; no homozygotes.

Submission:

PreventionGenetics, part of Exact Sciences
Classification: Uncertain significance for PLXNA3-related condition. Last evaluated: 2024-05-27. Review status: no assertion criteria provided. Collection method: clinical testing. Allele origin: germline.
Comment: The PLXNA3 c.105C>G variant is predicted to result in the amino acid substitution p.His35Gln. To our knowledge, this variant has not been reported in the literature. This variant is reported in 0.0094% of alleles in individuals of European (Non-Finnish) descent in gnomAD. At this time, the clinical significance of this variant is uncertain due to the absence of conclusive functional and genetic evidence.

NM_017514.5(PLXNA3):c.105C>G (p.His35Gln)

Gene: PLXNA3 (plexin A3; plus strand). Cytogenetic location: Xq28.
Variant type: single nucleotide variant.
Coding change: c.105C>G on transcript NM_017514.5 (MANE Select); coding-DNA position 105, C replaced by G.
Protein change: p.His35Gln; replaces histidine 35 with glutamine.
Molecular consequence: missense variant.
Genome position (GRCh38, 1-based): chrX:154,460,288, C>G. VCF-style: chrX-154460288-C-G. GRCh37 (hg19) VCF-style: chrX-153688628-C-G.
Other names: short protein forms H35Q.
Identifiers: ClinVar variation 3348952 (VCV003348952.1).